The following is an entry in ClinVar:

NM_021830.5(TWNK):c.508C>G (p.Gln170Glu)

Gene: TWNK (twinkle mtDNA helicase; plus strand). Cytogenetic location: 10q24.31.
Variant type: single nucleotide variant.
Coding change: c.508C>G on transcript NM_021830.5 (MANE Select); coding-DNA position 508, C replaced by G.
Protein change: p.Gln170Glu; replaces glutamine 170 with glutamic acid.
Molecular consequence: missense variant. On other transcripts: intron variant (3), non-coding transcript variant (4).
Genome position (GRCh38, 1-based): chr10:100,988,718, C>G. VCF-style: chr10-100988718-C-G. GRCh37 (hg19) VCF-style: chr10-102748475-C-G.
Other names: c.-57-988C>G (NM_001368275.1); c.508C>G, p.Gln170Glu (NM_001163812.2); c.-119-926C>G (NM_001163814.2, NM_001163813.2); short protein forms Q170E.
Identifiers: ClinVar variation 3368267 (VCV003368267.1).

ClinVar aggregate classification (germline): Uncertain significance (1 of 4 stars; one submission).

gnomAD v4.1: 7 of 1,614,148 alleles (0.00043%); highest among the groups gnomAD compares: Non-Finnish European, 0.00059%; no homozygotes.

Submission:

GeneDx
Classification: Uncertain significance. Last evaluated: 2024-01-25. Review status: criteria provided, single submitter. Criteria: GeneDx Variant Classification Process June 2021. Collection method: clinical testing. Allele origin: germline. Affected: yes.
Comment: Not observed at significant frequency in large population cohorts (gnomAD); In silico analysis supports that this missense variant does not alter protein structure/function; Has not been previously published as pathogenic or benign to our knowledge